The following is an entry in ClinVar:

NM_001257291.2(SLC9A7):c.899C>T (p.Ser300Leu)

Gene: SLC9A7 (solute carrier family 9 member A7; minus strand). Cytogenetic location: Xp11.3.
Variant type: single nucleotide variant.
Coding change: c.899C>T on transcript NM_001257291.2 (MANE Select); coding-DNA position 899, C replaced by T.
Protein change: p.Ser300Leu; replaces serine 300 with leucine.
Molecular consequence: missense variant.
Genome position (GRCh38, 1-based): chrX:46,662,538, G>A on the plus strand (C>T on the coding strand, the complement: SLC9A7 is on the minus strand). VCF-style: chrX-46662538-G-A. GRCh37 (hg19) VCF-style: chrX-46521973-G-A.
Other names: c.899C>T, p.Ser300Leu (NM_032591.3); short protein forms S300L.
Identifiers: ClinVar variation 4087958 (VCV004087958.1).

ClinVar aggregate classification (germline): Uncertain significance (1 of 4 stars; one submission).

gnomAD v4.1: 6 of 1,193,213 alleles (0.0005%); highest among the groups gnomAD compares: Middle Eastern, 0.023%; no homozygotes.

Submission:

GeneDx
Classification: Uncertain significance. Last evaluated: 2025-03-27. Review status: criteria provided, single submitter. Criteria: GeneDx Variant Classification Process June 2021. Collection method: clinical testing. Allele origin: germline. Affected: yes.
Comment: Not observed at significant frequency in large population cohorts (gnomAD); In silico analysis supports that this missense variant has a deleterious effect on protein structure/function; Has not been previously published as pathogenic or benign to our knowledge